The following is an entry in ClinVar:

ClinVar aggregate classification (germline): Pathogenic (1 of 4 stars; one submission).

Submission:

Labcorp Genetics (formerly Invitae), Labcorp
Classification: Pathogenic. Last evaluated: 2025-11-12. Review status: criteria provided, single submitter. Criteria: Invitae Variant Classification Sherloc (09022015). Collection method: clinical testing. Allele origin: germline.
Comment: This sequence change creates a premature translational stop signal (p.Val1847Alafs*19) in the ASPM gene. It is expected to result in an absent or disrupted protein product. Loss-of-function variants in ASPM are known to be pathogenic (PMID: 19028728, 23611254). This variant is present in population databases (rs781709178, gnomAD 0.006%). This variant has not been reported in the literature in individuals affected with ASPM-related conditions. For these reasons, this variant has been classified as Pathogenic.

Literature cited by the submitters: PubMed 19028728; PubMed 23611254.

NM_018136.5(ASPM):c.5540_5541del (p.Val1847fs)

Gene: ASPM (assembly factor for spindle microtubules; minus strand). Cytogenetic location: 1q31.3.
Variant type: Microsatellite.
Coding change: c.5540_5541del on transcript NM_018136.5 (MANE Select); coding-DNA positions 5540 to 5541, 2 bases deleted (TG; older notation c.5540_5541delTG).
Protein change: p.Val1847fs; shifts the reading frame from valine 1847.
Molecular consequence: frameshift variant. On other transcripts: intron variant (1).
Genome position (GRCh38, 1-based): chr1:197,103,710-197,103,711, CA deleted on the plus strand (TG on the coding strand, the reverse complement: ASPM is on the minus strand); deleting any 2 consecutive bases within chr1:197,103,710-197,103,713 gives the same sequence; the c. name uses the placement nearest the transcript's 3' end. VCF-style (leftmost placement, unchanged base first): chr1-197103709-GCA-G. GRCh37 (hg19) VCF-style: chr1-197072839-GCA-G.
Other names: c.4066-7547_4066-7546del (NM_001206846.2); short protein forms V1847fs.
Identifiers: ClinVar variation 4703416 (VCV004703416.1).
Genomic context (GRCh38, chr1:197,103,709, plus strand): 5'-TTGTATCATGAAGAGTCTTGTACGCCCTGTACCATCTCTGAATCTTTATTATAGATTGAA[GCA>G]CAGATTGATATTTTACCCTTTTATTATAGCCTCTAAAAGCAGACTGAATTTTAAGAGCAG-3'